The following is an entry in ClinVar:

NM_004304.5(ALK):c.174C>T (p.Phe58=)

Gene: ALK (ALK receptor tyrosine kinase; minus strand). Cytogenetic location: 2p23.1.
Variant type: single nucleotide variant.
Coding change: c.174C>T on transcript NM_004304.5 (MANE Select); coding-DNA position 174, C replaced by T.
Protein change: p.Phe58=; no amino-acid change (phenylalanine 58 retained).
Molecular consequence: synonymous variant.
Genome position (GRCh38, 1-based): chr2:29,920,486, G>A on the plus strand (C>T on the coding strand, the complement: ALK is on the minus strand). VCF-style: chr2-29920486-G-A. GRCh37 (hg19) VCF-style: chr2-30143352-G-A.
Identifiers: ClinVar variation 538301 (VCV000538301.16), dbSNP rs762994068, ClinGen allele CA1595030.

ClinVar aggregate classification (germline): Likely benign. Review status: criteria provided, multiple submitters, no conflicts (2 of 4 stars). 3 submissions from 3 submitters: Likely benign (2). 1 of the submissions does not count toward it. Last evaluated 2026-01-11.

Conditions:
Neuroblastoma, susceptibility to, 3. Also called: ALK-Related Neuroblastic Tumor Susceptibility. Identifiers: Orphanet 635, MedGen C2751681, MONDO:0013083, OMIM 613014.
Hereditary cancer-predisposing syndrome. Also called: Neoplastic Syndromes, Hereditary; Tumor predisposition; Hereditary Cancer Syndrome; Hereditary neoplastic syndrome. Identifiers: Orphanet 140162, MedGen C0027672, MeSH D009386, MONDO:0015356.
ALK-related disorder. Also called: ALK-related condition.

Allele frequency attached by ClinVar (database versions not stated): ExAC 0.00002; gnomAD exomes 0.00002 and 0.00003; TOPMed 0.00012; gnomAD 0.00014 and 0.00016.
gnomAD v4.1: 56 of 1,612,988 alleles (0.0035%); highest among the groups gnomAD compares: African/African-American, 0.068%; no homozygotes.

Submissions (3):

Labcorp Genetics (formerly Invitae), Labcorp
Classification: Likely benign for Neuroblastoma, susceptibility to, 3. Last evaluated: 2026-01-11. Review status: criteria provided, single submitter. Criteria: Invitae Variant Classification Sherloc (09022015). Collection method: clinical testing. Allele origin: germline.

Ambry Genetics
Classification: Likely benign for Hereditary cancer-predisposing syndrome. Last evaluated: 2022-03-01. Review status: criteria provided, single submitter. Criteria: Ambry Variant Classification Scheme 2023. Collection method: clinical testing. Allele origin: germline.

PreventionGenetics, part of Exact Sciences
Classification: Likely benign for ALK-related condition. Last evaluated: 2021-12-31. Review status: no assertion criteria provided. Collection method: clinical testing. Allele origin: germline. Not counted in ClinVar's aggregate classification.
Comment: This variant is classified as likely benign based on ACMG/AMP sequence variant interpretation guidelines (Richards et al. 2015 PMID: 25741868, with internal and published modifications).